The following is an entry in ClinVar:

ClinVar aggregate classification (germline): Uncertain significance. Review status: criteria provided, multiple submitters, no conflicts (2 of 4 stars). 2 submissions from 2 submitters: Uncertain significance (2). Last evaluated 2024-10-17.

Conditions:
Hereditary cancer-predisposing syndrome. Also called: Tumor predisposition; Hereditary Cancer Syndrome; Hereditary neoplastic syndrome; Neoplastic Syndromes, Hereditary. Identifiers: Orphanet 140162, MedGen C0027672, MeSH D009386, MONDO:0015356.

gnomAD v4.1: 1 of 1,613,808 alleles (0.000062%); highest among the groups gnomAD compares: African/African-American, 0.0013%; no homozygotes.

Submissions (2):

Ambry Genetics
Classification: Uncertain significance for Hereditary cancer-predisposing syndrome. Last evaluated: 2024-10-17. Review status: criteria provided, single submitter. Criteria: Ambry Variant Classification Scheme 2023. Collection method: clinical testing. Allele origin: germline.
Comment: The p.K230E variant (also known as c.688A>G), located in coding exon 7 of the FANCC gene, results from an A to G substitution at nucleotide position 688. The lysine at codon 230 is replaced by glutamic acid, an amino acid with similar properties. This amino acid position is conserved. In addition, this alteration is predicted to be tolerated by in silico analysis. Based on the available evidence, the clinical significance of this variant remains unclear.

GeneDx
Classification: Uncertain significance. Last evaluated: 2023-07-25. Review status: criteria provided, single submitter. Criteria: GeneDx Variant Classification Process June 2021. Collection method: clinical testing. Allele origin: germline. Affected: yes.
Comment: Not observed at significant frequency in large population cohorts (gnomAD); In silico analysis supports that this missense variant has a deleterious effect on protein structure/function; Has not been previously published as pathogenic or benign to our knowledge; This variant is associated with the following publications: (PMID: Gordon2000[Book])

NM_000136.3(FANCC):c.688A>G (p.Lys230Glu)

Genes: AOPEP (aminopeptidase O (putative); plus strand), FANCC (FA complementation group C; minus strand). Cytogenetic location: 9q22.32.
Variant type: single nucleotide variant.
Coding change: c.688A>G on transcript NM_000136.3 (MANE Select); coding-DNA position 688, A replaced by G.
Protein change: p.Lys230Glu; replaces lysine 230 with glutamic acid.
Molecular consequence: missense variant.
Genome position (GRCh38, 1-based): chr9:95,135,501, T>C on the plus strand (A>G on the coding strand, the complement: FANCC is on the minus strand). VCF-style: chr9-95135501-T-C. GRCh37 (hg19) VCF-style: chr9-97897783-T-C.
Other names: c.688A>G, p.Lys230Glu (NM_001243743.2, NM_001243744.2); short protein forms K230E.
Identifiers: ClinVar variation 3361418 (VCV003361418.2).